The following is an entry in ClinVar:

ClinVar aggregate classification (germline): Conflicting classifications of pathogenicity. Review status: criteria provided, conflicting classifications (1 of 4 stars). 5 submissions from 5 submitters: Uncertain significance (1); Likely benign (4). Last evaluated 2025-08-01.

Conditions:
Diffuse cerebral and cerebellar atrophy - intractable seizures - progressive microcephaly syndrome. Also called: Microcephaly, progressive, with seizures and cerebral and cerebellar atrophy. Identifiers: Orphanet 404437, MedGen C4014239, MONDO:0014335, OMIM 615760.

Submissions (5):

Mayo Clinic Laboratories, Mayo Clinic
Classification: Likely benign. Last evaluated: 2025-08-01. Review status: criteria provided, single submitter. Criteria: ACMG Guidelines, 2015. Collection method: clinical testing. Allele origin: germline. Observed: 1 variant allele.
Comment: BP4, BP7

Labcorp Genetics (formerly Invitae), Labcorp
Classification: Likely benign for Diffuse cerebral and cerebellar atrophy - intractable seizures - progressive microcephaly syndrome. Last evaluated: 2025-07-16. Review status: criteria provided, single submitter. Criteria: Invitae Variant Classification Sherloc (09022015). Collection method: clinical testing. Allele origin: germline.

Blueprint Genetics
Classification: Likely benign. Last evaluated: 2024-10-09. Review status: criteria provided, single submitter. Criteria: ACMG Guidelines, 2015. Collection method: clinical testing. Allele origin: germline.

CeGaT Center for Human Genetics Tuebingen
Classification: Uncertain significance. Last evaluated: 2017-06-01. Review status: criteria provided, single submitter. Criteria: CeGaT Center For Human Genetics Tuebingen Variant Classification Criteria Version 2. Collection method: clinical testing. Allele origin: germline. Affected: yes. Observed: 1 variant allele.

GeneDx
Classification: Likely benign. Last evaluated: 2016-12-28. Review status: criteria provided, single submitter. Criteria: GeneDx Variant Classification (06012015). Collection method: clinical testing. Allele origin: germline. Affected: yes.
Comment: This variant is considered likely benign or benign based on one or more of the following criteria: it is a conservative change, it occurs at a poorly conserved position in the protein, it is predicted to be benign by multiple in silico algorithms, and/or has population frequency not consistent with disease.

NM_005051.3(QARS1):c.632-10dup

Gene: QARS1 (glutaminyl-tRNA synthetase 1; minus strand). Cytogenetic location: 3p21.31.
Variant type: Duplication.
Coding change: c.632-10dup on transcript NM_005051.3 (MANE Select); 10 bases into the intron before coding-DNA position 632, one base duplicated (T; older notation c.632-10dupT).
Molecular consequence: intron variant.
Genome position (GRCh38, 1-based): chr3:49,101,908, A duplicated on the plus strand (T on the coding strand, the reverse complement: QARS1 is on the minus strand); the first of 2 consecutive A bases (chr3:49,101,908-49,101,909); duplicating either gives the same sequence. VCF-style (leftmost placement, unchanged base first): chr3-49101907-G-GA. GRCh37 (hg19) VCF-style: chr3-49139340-G-GA.
Other names: p.?; c.632-9dupT (NM_005051.2); c.632-9dup (NM_005051.3); c.599-10dup (NM_001272073.2).
Identifiers: ClinVar variation 415520 (VCV000415520.52), dbSNP rs775642346, ClinGen allele CA2392072.